The following is an entry in ClinVar:

NM_001172509.2(SATB2):c.2172G>C (p.Lys724Asn)

Genes: SATB2 (SATB homeobox 2; minus strand), LOC126806462 (MED14-independent group 3 enhancer GRCh37_chr2:200136608-200137807; plus strand). Cytogenetic location: 2q33.1.
Variant type: single nucleotide variant.
Coding change: c.2172G>C on transcript NM_001172509.2 (MANE Select); coding-DNA position 2172, G replaced by C.
Protein change: p.Lys724Asn; replaces lysine 724 with asparagine.
Molecular consequence: missense variant.
Genome position (GRCh38, 1-based): chr2:199,272,241, C>G on the plus strand (G>C on the coding strand, the complement: SATB2 is on the minus strand). VCF-style: chr2-199272241-C-G. GRCh37 (hg19) VCF-style: chr2-200136964-C-G.
Other names: c.2172G>C, p.Lys724Asn (NM_001172517.1, NM_015265.4); short protein forms K724N.
Identifiers: ClinVar variation 589091 (VCV000589091.15), dbSNP rs915648697, ClinGen allele CA64243726.

ClinVar aggregate classification (germline): Benign/Likely benign. Review status: criteria provided, multiple submitters, no conflicts (2 of 4 stars). 3 submissions from 3 submitters: Benign (1); Likely benign (2). Last evaluated 2025-12-24.

Conditions:
Chromosome 2q32-q33 deletion syndrome (GLASS). Also called: 2q33.1 deletion syndrome; Glass syndrome. Identifiers: Orphanet 251019, MedGen C2676739, MONDO:0012864, OMIM 612313.
Inborn genetic diseases. Identifiers: MedGen C0950123, MeSH D030342.

Allele frequency attached by ClinVar (database versions not stated): gnomAD 0.00001; gnomAD exomes 0.00001; TOPMed 0.00002.
gnomAD v4.1: 15 of 1,614,074 alleles (0.00093%); highest among the groups gnomAD compares: African/African-American, 0.0027%; no homozygotes.

Submissions (3):

Women's Health and Genetics/Laboratory Corporation of America, LabCorp
Classification: Likely benign. Last evaluated: 2025-12-24. Review status: criteria provided, single submitter. Criteria: LabCorp Variant Classification Summary - May 2015. Collection method: clinical testing. Allele origin: germline.
Comment: Variant summary: SATB2 c.2172G>C (p.Lys724Asn) results in a non-conservative amino acid change in the encoded protein sequence. Algorithms developed to predict the effect of missense changes on protein structure and function are either unavailable or do not agree on the potential impact of this missense change. The variant allele was found at a frequency of 9.3e-06 in 1614074 control chromosomes. To our knowledge, no occurrence of c.2172G>C in individuals affected with SATB2-related conditions and no experimental evidence demonstrating its impact on protein function have been reported. ClinVar contains an entry for this variant (Variation ID: 589091). Based on the evidence outlined above, the variant was classified as likely benign.

Labcorp Genetics (formerly Invitae), Labcorp
Classification: Benign for Chromosome 2q32-q33 deletion syndrome. Last evaluated: 2025-05-02. Review status: criteria provided, single submitter. Criteria: Invitae Variant Classification Sherloc (09022015). Collection method: clinical testing. Allele origin: germline.

Ambry Genetics
Classification: Likely benign for Inborn genetic diseases. Last evaluated: 2021-10-22. Review status: criteria provided, single submitter. Criteria: Ambry Variant Classification Scheme 2023. Collection method: clinical testing. Allele origin: germline.